The following is an entry in ClinVar:

ClinVar aggregate classification (germline): Benign. Review status: criteria provided, multiple submitters, no conflicts (2 of 4 stars). 3 submissions from 3 submitters: Benign (2). 1 of the submissions does not count toward it. Last evaluated 2018-05-15.

Conditions:
LRIG1-related disorder. Also called: LRIG1-related condition.

Allele frequency attached by ClinVar (database versions not stated): gnomAD exomes 0.00036 and 0.00077; ExAC 0.00082; 1000 Genomes Project 0.00260; gnomAD 0.00306 and 0.00325; ESP Exome Variant Server 0.00315; 1000 Genomes Project 30x 0.00328; TOPMed 0.00362.
gnomAD v4.1: 1,010 of 1,614,126 alleles (0.063%); highest among the groups gnomAD compares: African/African-American, 0.99%; 4 homozygotes.

Submissions (3):

Labcorp Genetics (formerly Invitae), Labcorp
Classification: Benign. Last evaluated: 2018-05-15. Review status: criteria provided, single submitter. Criteria: Invitae Variant Classification Sherloc (09022015). Collection method: clinical testing. Allele origin: germline.

Breakthrough Genomics
Classification: Benign. Review status: criteria provided, single submitter. Criteria: ACMG Guidelines, 2015. Collection method: not provided. Allele origin: germline. Inheritance: Unknown mechanism. Affected: yes.

PreventionGenetics, part of Exact Sciences
Classification: Benign for LRIG1-related condition. Last evaluated: 2019-10-28. Review status: no assertion criteria provided. Collection method: clinical testing. Allele origin: germline. Not counted in ClinVar's aggregate classification.
Comment: This variant is classified as benign based on ACMG/AMP sequence variant interpretation guidelines (Richards et al. 2015 PMID: 25741868, with internal and published modifications).

NM_015541.3(LRIG1):c.1614C>T (p.Thr538=)

Genes: LRIG1 (leucine rich repeats and immunoglobulin like domains 1; minus strand), LOC129936987 (ATAC-STARR-seq lymphoblastoid active region 20039; plus strand). Cytogenetic location: 3p14.1.
Variant type: single nucleotide variant.
Coding change: c.1614C>T on transcript NM_015541.3 (MANE Select); coding-DNA position 1614, C replaced by T.
Protein change: p.Thr538=; no amino-acid change (threonine 538 retained).
Molecular consequence: synonymous variant.
Genome position (GRCh38, 1-based): chr3:66,386,156, G>A on the plus strand (C>T on the coding strand, the complement: LRIG1 is on the minus strand). VCF-style: chr3-66386156-G-A. GRCh37 (hg19) VCF-style: chr3-66436580-G-A.
Other names: c.1539C>T, p.Thr513= (NM_001377344.1); c.834C>T, p.Thr278= (NM_001377345.1, NM_001377346.1); c.612C>T, p.Thr204= (NM_001377347.1); c.585C>T, p.Thr195= (NM_001377348.1); c.330C>T, p.Thr110= (NM_001377349.1).
Identifiers: ClinVar variation 733410 (VCV000733410.6), dbSNP rs61753419, ClinGen allele CA2484691.
Genomic context (GRCh38, chr3:66,386,156, plus strand): 5'-GTACTCCATCACTTCCCCGTCCTGCGCGTGGACGTGGACAAAGTTCTCCATGTCTGCATT[G>A]GTCAGGACTTCATTGTCTTTCTTCCAGGCAAAGGTCATGGGGGAGCTGCTGCTGCTGGCT-3'
Protein context (NP_056356.2, residues 528-548): FAWKKDNEVL[Thr538=]NADMENFVHV